The following is an entry in ClinVar:

ClinVar aggregate classification (germline): Uncertain significance (1 of 4 stars; one submission).

Conditions:
Cardiovascular phenotype. Identifiers: MedGen CN230736.

Allele frequency attached by ClinVar (database versions not stated): gnomAD exomes 0.00001.
gnomAD v4.1: 8 of 1,611,324 alleles (0.0005%); highest among the groups gnomAD compares: Non-Finnish European, 0.00068%; no homozygotes.

Submission:

Ambry Genetics
Classification: Uncertain significance for Cardiovascular phenotype. Last evaluated: 2023-01-22. Review status: criteria provided, single submitter. Criteria: Ambry Variant Classification Scheme 2023. Collection method: clinical testing. Allele origin: germline.
Comment: The p.I152V variant (also known as c.454A>G), located in coding exon 1 of the DOLK gene, results from an A to G substitution at nucleotide position 454. The isoleucine at codon 152 is replaced by valine, an amino acid with highly similar properties. This amino acid position is conserved. In addition, this alteration is predicted to be tolerated by in silico analysis. Since supporting evidence is limited at this time, the clinical significance of this alteration remains unclear.

NM_014908.4(DOLK):c.454A>G (p.Ile152Val)

Gene: DOLK (dolichol kinase; minus strand). Cytogenetic location: 9q34.11.
Variant type: single nucleotide variant.
Coding change: c.454A>G on transcript NM_014908.4 (MANE Select); coding-DNA position 454, A replaced by G.
Protein change: p.Ile152Val; replaces isoleucine 152 with valine.
Molecular consequence: missense variant.
Genome position (GRCh38, 1-based): chr9:128,946,850, T>C on the plus strand (A>G on the coding strand, the complement: DOLK is on the minus strand). VCF-style: chr9-128946850-T-C. GRCh37 (hg19) VCF-style: chr9-131709129-T-C.
Other names: short protein forms I152V.
Identifiers: ClinVar variation 2448554 (VCV002448554.2), dbSNP rs2492005008, ClinGen allele CA375125514.